The following is an entry in ClinVar:

ClinVar aggregate classification (germline): Uncertain significance (1 of 4 stars; one submission).

Conditions:
Hereditary cancer-predisposing syndrome. Also called: Tumor predisposition; Neoplastic Syndromes, Hereditary; Hereditary neoplastic syndrome; Hereditary Cancer Syndrome. Identifiers: Orphanet 140162, MedGen C0027672, MeSH D009386, MONDO:0015356.

Submission:

Ambry Genetics
Classification: Uncertain significance for Hereditary cancer-predisposing syndrome. Last evaluated: 2025-06-22. Review status: criteria provided, single submitter. Criteria: Ambry Variant Classification Scheme 2023. Collection method: clinical testing. Allele origin: germline.
Comment: The p.F118Y variant (also known as c.353T>A), located in coding exon 3 of the KIT gene, results from a T to A substitution at nucleotide position 353. The phenylalanine at codon 118 is replaced by tyrosine, an amino acid with highly similar properties. This amino acid position is conserved. In addition, the in silico prediction for this alteration is inconclusive. Based on the available evidence, the clinical significance of this variant remains unclear.

NM_000222.3(KIT):c.353T>A (p.Phe118Tyr)

Gene: KIT (KIT proto-oncogene, receptor tyrosine kinase; plus strand). Cytogenetic location: 4q12.
Variant type: single nucleotide variant.
Coding change: c.353T>A on transcript NM_000222.3 (MANE Select); coding-DNA position 353, T replaced by A.
Protein change: p.Phe118Tyr; replaces phenylalanine 118 with tyrosine.
Molecular consequence: missense variant.
Genome position (GRCh38, 1-based): chr4:54,698,299, T>A. VCF-style: chr4-54698299-T-A. GRCh37 (hg19) VCF-style: chr4-55564465-T-A.
Other names: c.353T>A, p.Phe118Tyr (NM_001093772.2, NM_001385284.1, NM_001385285.1 and 4 more transcripts); short protein forms F118Y.
Identifiers: ClinVar variation 4093176 (VCV004093176.1).
Genomic context (GRCh38, chr4:54,698,299, plus strand): 5'-TGTGACCAGCCATTCCAACTACTGATTTTGGATATGCTTCTATAGATCCTGCCAAGCTTT[T>A]CCTTGTTGACCGCTCCTTGTATGGGAAAGAAGACAACGACACGCTGGTCCGCTGTCCTCT-3'
Protein context (NP_000213.1, residues 108-128): YVFVRDPAKL[Phe118Tyr]LVDRSLYGKE